The following is an entry in ClinVar:

ClinVar aggregate classification (germline): Uncertain significance (1 of 4 stars; one submission).

Conditions:
Hereditary cancer-predisposing syndrome. Also called: Neoplastic Syndromes, Hereditary; Hereditary Cancer Syndrome; Tumor predisposition; Hereditary neoplastic syndrome. Identifiers: Orphanet 140162, MedGen C0027672, MeSH D009386, MONDO:0015356.

Submission:

Ambry Genetics
Classification: Uncertain significance for Hereditary cancer-predisposing syndrome. Last evaluated: 2025-02-14. Review status: criteria provided, single submitter. Criteria: Ambry Variant Classification Scheme 2023. Collection method: clinical testing. Allele origin: germline.
Comment: The c.2736delC variant, located in coding exon 21 of the POLD1 gene, results from a deletion of one nucleotide at nucleotide position 2736, causing a translational frameshift with a predicted alternate stop codon (p.S914Vfs*12). This alteration is expected to result in loss of function by premature protein truncation or nonsense-mediated mRNA decay. However, loss of function of POLD1 has not been established as a mechanism of disease. Based on the available evidence, the clinical significance of this alteration remains unclear.

NM_002691.4(POLD1):c.2736del (p.Ser914fs)

Gene: POLD1 (DNA polymerase delta 1, catalytic subunit; plus strand). Cytogenetic location: 19q13.33.
Variant type: Deletion.
Coding change: c.2736del on transcript NM_002691.4 (MANE Select); coding-DNA position 2736, one base deleted (C; older notation c.2736delC).
Protein change: p.Ser914fs; shifts the reading frame from serine 914.
Molecular consequence: frameshift variant.
Genome position (GRCh38, 1-based): chr19:50,415,742, C deleted; the last of 4 consecutive C bases (chr19:50,415,739-50,415,742); deleting any one gives the same sequence. VCF-style (leftmost placement, unchanged base first): chr19-50415738-AC-A. GRCh37 (hg19) VCF-style: chr19-50918995-AC-A.
Other names: c.2736del, p.Ser914fs (NM_001256849.1); c.2814del, p.Ser940fs (NM_001308632.1); short protein forms S914fs, S940fs.
Identifiers: ClinVar variation 3781360 (VCV003781360.1).